The following is an entry in ClinVar:

ClinVar aggregate classification (germline): Pathogenic (1 of 4 stars; one submission).

Conditions:
Lynch syndrome 5 (LYNCH5). Also called: Colorectal cancer, hereditary nonpolyposis, type 5; Hereditary non-polyposis colorectal cancer, type 5. Identifiers: Orphanet 144, MedGen C1833477, MONDO:0013710, OMIM 614350. Disease mechanism: loss of function.

Submission:

Myriad Genetics, Inc.
Classification: Pathogenic for Lynch syndrome 5. Last evaluated: 2023-08-17. Review status: criteria provided, single submitter. Criteria: Myriad Autosomal Dominant, Autosomal Recessive and X-Linked Classification Criteria (2023). Collection method: clinical testing. Allele origin: unknown.
Comment: This variant is considered pathogenic. This variant creates a frameshift predicted to result in premature protein truncation.

NM_000179.3(MSH6):c.2641_2642delinsA (p.Gly881fs)

Gene: MSH6 (mutS homolog 6; plus strand). Cytogenetic location: 2p16.3.
Variant type: Indel.
Coding change: c.2641_2642delinsA on transcript NM_000179.3 (MANE Select); coding-DNA positions 2641 to 2642, GG replaced by A.
Protein change: p.Gly881fs; shifts the reading frame from glycine 881.
Molecular consequence: frameshift variant. On other transcripts: non-coding transcript variant (5), intron variant (3).
Genome position (GRCh38, 1-based): chr2:47,800,624-47,800,625, GG replaced by A. VCF-style: chr2-47800624-GG-A. GRCh37 (hg19) VCF-style: chr2-48027763-GG-A.
Other names: c.2251_2252delinsA, p.Gly751fs (NM_001281492.2); c.1735_1736delinsA, p.Gly579fs (NM_001281493.2, NM_001281494.2, NM_001406811.1 and 6 more transcripts); c.2737_2738delinsA, p.Gly913fs (NM_001406795.1, NM_001406802.1); c.2641_2642delinsA, p.Gly881fs (NM_001406796.1, NM_001406798.1, NM_001406800.1 and 2 more transcripts); c.2344_2345delinsA, p.Gly782fs (NM_001406797.1, NM_001406801.1, NM_001406805.1 and 10 more transcripts); c.2116_2117delinsA, p.Gly706fs (NM_001406799.1, NM_001406806.1, NM_001406807.1); c.2563_2564delinsA, p.Gly855fs (NM_001406804.1); c.2647_2648delinsA, p.Gly883fs (NM_001406813.1); and 4 more; short protein forms G579fs, G706fs, G751fs, G782fs, G825fs, G855fs, G881fs, G883fs.
Identifiers: ClinVar variation 2673743 (VCV002673743.1), dbSNP rs2530684566, ClinGen allele CA2695200563.
Genomic context (GRCh38, chr2:47,800,624, plus strand): 5'-GCTCTGGAAGGATTCAAAGTAATGTGTAAAATTATAGGGATCATGGAAGAAGTTGCTGAT[GG>A]TTTTAAGTCTAAAATCCTTAAGCAGGTCATCTCTCTGCAGACAAAAAATCCTGAAGGTCG-3'